The following is an entry in ClinVar:

NM_024837.4(ATP8B4):c.1689T>C (p.Asp563=)

Gene: ATP8B4 (ATPase phospholipid transporting 8B4 (putative); minus strand). Cytogenetic location: 15q21.2.
Variant type: single nucleotide variant.
Coding change: c.1689T>C on transcript NM_024837.4 (MANE Select); coding-DNA position 1689, T replaced by C.
Protein change: p.Asp563=; no amino-acid change (aspartic acid 563 retained).
Molecular consequence: synonymous variant. On other transcripts: non-coding transcript variant (3).
Genome position (GRCh38, 1-based): chr15:49,923,448, A>G on the plus strand (T>C on the coding strand, the complement: ATP8B4 is on the minus strand). VCF-style: chr15-49923448-A-G. GRCh37 (hg19) VCF-style: chr15-50215645-A-G.
Identifiers: ClinVar variation 2645323 (VCV002645323.24), dbSNP rs149949431, ClinGen allele CA7553297.

ClinVar aggregate classification (germline): Likely benign (1 of 4 stars; one submission).

Allele frequency attached by ClinVar (database versions not stated): gnomAD exomes 0.00019; ExAC 0.00073; 1000 Genomes Project 0.00200; gnomAD 0.00219; 1000 Genomes Project 30x 0.00234; ESP Exome Variant Server 0.00246; TOPMed 0.00257.
gnomAD v4.1: 628 of 1,613,112 alleles (0.039%); highest among the groups gnomAD compares: African/African-American, 0.75%; 6 homozygotes.

Submission:

CeGaT Center for Human Genetics Tuebingen
Classification: Likely benign. Last evaluated: 2022-05-01. Review status: criteria provided, single submitter. Criteria: CeGaT Center For Human Genetics Tuebingen Variant Classification Criteria Version 2. Collection method: clinical testing. Allele origin: germline. Affected: yes. Observed: 1 variant allele.
Comment: ATP8B4: BP4, BP7